The following is an entry in ClinVar:

NM_000287.4(PEX6):c.1326dup (p.Ser443fs)

Gene: PEX6 (peroxisomal biogenesis factor 6; minus strand). Cytogenetic location: 6p21.1.
Variant type: Duplication.
Coding change: c.1326dup on transcript NM_000287.4 (MANE Select); coding-DNA position 1326, one base duplicated (G; older notation c.1326dupG).
Protein change: p.Ser443fs; shifts the reading frame from serine 443.
Molecular consequence: frameshift variant. On other transcripts: non-coding transcript variant (1).
Genome position (GRCh38, 1-based): chr6:42,969,709, C duplicated on the plus strand (G on the coding strand, the reverse complement: PEX6 is on the minus strand). VCF-style (leftmost placement, unchanged base first): chr6-42969708-A-AC. GRCh37 (hg19) VCF-style: chr6-42937446-A-AC.
Other names: c.1062dup, p.Ser355fs (NM_001316313.2); short protein forms S355fs, S443fs.
Identifiers: ClinVar variation 1324885 (VCV001324885.10), dbSNP rs2114247458, ClinGen allele CA2573052689.

ClinVar aggregate classification (germline): Pathogenic/Likely pathogenic. Review status: criteria provided, multiple submitters, no conflicts (2 of 4 stars). 4 submissions from 4 submitters: Pathogenic (1); Likely pathogenic (3). Last evaluated 2024-04-06.

Conditions:
Heimler syndrome 2 (HMLR2). Also called: PEROXISOME BIOGENESIS DISORDER 4C. Identifiers: Orphanet 3220, MedGen C4225267, OMIM 616617, MONDO:0014709.
Peroxisome biogenesis disorder 4A (Zellweger) (PBD4A). Also called: Zellweger syndrome spectrum (PEX6-related). Identifiers: Orphanet 912, MedGen C3553936, MONDO:0013930, OMIM 614862. Disease mechanism: loss of function.
Peroxisome biogenesis disorder 4B (PBD4B). Also called: SPINOCEREBELLAR ATAXIA WITH BLINDNESS AND DEAFNESS 1. Identifiers: Orphanet 44, Orphanet 95433, MedGen C3553937, MONDO:0013931, OMIM 614863.
Peroxisome biogenesis disorder. Identifiers: Orphanet 79189, MedGen C1832200, MONDO:0019234. Disease mechanism: loss of function.

Submissions (4):

Fulgent Genetics
Classification: Likely pathogenic for Peroxisome biogenesis disorder 4A (Zellweger); Peroxisome biogenesis disorder 4B; Heimler syndrome 2. Last evaluated: 2024-04-06. Review status: criteria provided, single submitter. Criteria: ACMG Guidelines, 2015. Collection method: clinical testing. Allele origin: germline.

Baylor Genetics
Classification: Likely pathogenic for Heimler syndrome 2. Last evaluated: 2023-07-26. Review status: criteria provided, single submitter. Criteria: ACMG Guidelines, 2015. Collection method: clinical testing. Allele origin: unknown.

Labcorp Genetics (formerly Invitae), Labcorp
Classification: Pathogenic for Peroxisome biogenesis disorder. Last evaluated: 2022-07-23. Review status: criteria provided, single submitter. Criteria: Invitae Variant Classification Sherloc (09022015). Collection method: clinical testing. Allele origin: germline.
Comment: For these reasons, this variant has been classified as Pathogenic. ClinVar contains an entry for this variant (Variation ID: 1324885). This variant has not been reported in the literature in individuals affected with PEX6-related conditions. This variant is not present in population databases (gnomAD no frequency). This sequence change creates a premature translational stop signal (p.Ser443Valfs*2) in the PEX6 gene. It is expected to result in an absent or disrupted protein product. Loss-of-function variants in PEX6 are known to be pathogenic (PMID: 8670792, 19877282, 21031596).

Revvity Omics, Revvity
Classification: Likely pathogenic. Last evaluated: 2021-09-09. Review status: criteria provided, single submitter. Criteria: ACMG Guidelines, 2015. Collection method: clinical testing. Allele origin: germline.

Literature cited by the submitters: PubMed 8670792 (cited by Labcorp Genetics (formerly Invitae), Labcorp); PubMed 19877282 (cited by Labcorp Genetics (formerly Invitae), Labcorp); PubMed 21031596 (cited by Labcorp Genetics (formerly Invitae), Labcorp).